The following is an entry in ClinVar:

NM_001256545.2(MEGF10):c.1999A>G (p.Lys667Glu)

Gene: MEGF10 (multiple EGF like domains 10; plus strand). Cytogenetic location: 5q23.2.
Variant type: single nucleotide variant.
Coding change: c.1999A>G on transcript NM_001256545.2 (MANE Select); coding-DNA position 1999, A replaced by G.
Protein change: p.Lys667Glu; replaces lysine 667 with glutamic acid.
Molecular consequence: missense variant.
Genome position (GRCh38, 1-based): chr5:127,435,384, A>G. VCF-style: chr5-127435384-A-G. GRCh37 (hg19) VCF-style: chr5-126771076-A-G.
Other names: c.1999A>G, p.Lys667Glu (NM_032446.3); short protein forms K667E.
Identifiers: ClinVar variation 2043185 (VCV002043185.2), dbSNP rs1055231382, ClinGen allele CA126960055.

ClinVar aggregate classification (germline): Uncertain significance (1 of 4 stars; one submission).

Conditions:
MEGF10-related myopathy (CMYO10A). Also called: Congenital myopathy 10A, severe variant. Identifiers: Orphanet 439212, MedGen C3280679, MONDO:0013731, OMIM 614399.

Allele frequency attached by ClinVar (database versions not stated): gnomAD exomes below 0.00001; TOPMed 0.00001.
gnomAD v4.1: 6 of 1,613,968 alleles (0.00037%); highest among the groups gnomAD compares: Middle Eastern, 0.017%; no homozygotes.

Submission:

Labcorp Genetics (formerly Invitae), Labcorp
Classification: Uncertain significance for MEGF10-related myopathy. Last evaluated: 2025-06-20. Review status: criteria provided, single submitter. Criteria: Invitae Variant Classification Sherloc (09022015). Collection method: clinical testing. Allele origin: germline.
Comment: This sequence change replaces lysine, which is basic and polar, with glutamic acid, which is acidic and polar, at codon 667 of the MEGF10 protein (p.Lys667Glu). This variant is present in population databases (no rsID available, gnomAD 0.007%). This variant has not been reported in the literature in individuals affected with MEGF10-related conditions. ClinVar contains an entry for this variant (Variation ID: 2043185). An algorithm developed to predict the effect of missense changes on protein structure and function (PolyPhen-2) suggests that this variant is likely to be disruptive. In summary, the available evidence is currently insufficient to determine the role of this variant in disease. Therefore, it has been classified as a Variant of Uncertain Significance.